The following is an entry in ClinVar:

ClinVar aggregate classification (germline): Uncertain significance (0 of 4 stars; one submission).

Conditions:
NRP1-related disorder. Also called: NRP1-related condition.

gnomAD v4.1: 25 of 1,613,958 alleles (0.0015%); highest among the groups gnomAD compares: Admixed American, 0.01%; no homozygotes.

Submission:

PreventionGenetics, part of Exact Sciences
Classification: Uncertain significance for NRP1-related condition. Last evaluated: 2024-08-23. Review status: no assertion criteria provided. Collection method: clinical testing. Allele origin: germline.
Comment: The NRP1 c.1001G>A variant is predicted to result in the amino acid substitution p.Arg334His. This variant has been reported in an individual with congenital heart defects but no additional studies were performed to help assess its pathogenicity (Russell et al. 2019. PubMed ID: 31453292). This variant is reported in 0.016% of alleles in individuals of African descent in gnomAD. At this time, the clinical significance of this variant is uncertain due to the absence of conclusive functional and genetic evidence.

NM_003873.7(NRP1):c.1001G>A (p.Arg334His)

Gene: NRP1 (neuropilin 1; minus strand). Cytogenetic location: 10p11.22.
Variant type: single nucleotide variant.
Coding change: c.1001G>A on transcript NM_003873.7 (MANE Select); coding-DNA position 1001, G replaced by A.
Protein change: p.Arg334His; replaces arginine 334 with histidine.
Molecular consequence: missense variant. On other transcripts: non-coding transcript variant (1).
Genome position (GRCh38, 1-based): chr10:33,226,270, C>T on the plus strand (G>A on the coding strand, the complement: NRP1 is on the minus strand). VCF-style: chr10-33226270-C-T. GRCh37 (hg19) VCF-style: chr10-33515198-C-T.
Other names: c.1001G>A, p.Arg334His (NM_001024628.3, NM_001024629.3, NM_001244972.2 and 2 more transcripts); short protein forms R334H.
Identifiers: ClinVar variation 3358670 (VCV003358670.1).